The following is an entry in ClinVar:

ClinVar aggregate classification (germline): Uncertain significance (1 of 4 stars; one submission).

Conditions:
Familial cancer of breast. Also called: hereditary breast carcinoma; Hereditary breast cancer; BREAST CANCER, FAMILIAL. Identifiers: Orphanet 227535, MedGen C0346153, MONDO:0016419, OMIM 114480. Disease mechanism: loss of function.

Submission:

Labcorp Genetics (formerly Invitae), Labcorp
Classification: Uncertain significance for Familial cancer of breast. Last evaluated: 2021-02-06. Review status: criteria provided, single submitter. Criteria: Invitae Variant Classification Sherloc (09022015). Collection method: clinical testing. Allele origin: germline.
Comment: This variant has not been reported in the literature in individuals with BARD1-related conditions. In summary, the available evidence is currently insufficient to determine the role of this variant in disease. Therefore, it has been classified as a Variant of Uncertain Significance. Algorithms developed to predict the effect of missense changes on protein structure and function (SIFT, PolyPhen-2, Align-GVGD) all suggest that this variant is likely to be tolerated, but these predictions have not been confirmed by published functional studies and their clinical significance is uncertain. This variant is not present in population databases (ExAC no frequency). This sequence change replaces isoleucine with arginine at codon 357 of the BARD1 protein (p.Ile357Arg). The isoleucine residue is weakly conserved and there is a moderate physicochemical difference between isoleucine and arginine.

NM_000465.4(BARD1):c.1070T>G (p.Ile357Arg)

Gene: BARD1 (BRCA1 associated RING domain 1; minus strand). Cytogenetic location: 2q35.
Variant type: single nucleotide variant.
Coding change: c.1070T>G on transcript NM_000465.4 (MANE Select); coding-DNA position 1070, T replaced by G.
Protein change: p.Ile357Arg; replaces isoleucine 357 with arginine.
Molecular consequence: missense variant. On other transcripts: non-coding transcript variant (2), intron variant (3).
Genome position (GRCh38, 1-based): chr2:214,780,804, A>C on the plus strand (T>G on the coding strand, the complement: BARD1 is on the minus strand). VCF-style: chr2-214780804-A-C. GRCh37 (hg19) VCF-style: chr2-215645528-A-C.
Other names: c.1013T>G, p.Ile338Arg (NM_001282543.2); c.159-28249T>G (NM_001282548.2); c.215+16257T>G (NM_001282545.2); c.364+11493T>G (NM_001282549.2); short protein forms I338R, I357R.
Identifiers: ClinVar variation 1370249 (VCV001370249.9), dbSNP rs587781555, ClinGen allele CA350454115.